The following is an entry in ClinVar:

NM_020631.4(PLEKHG5):c.-5851T>C

Gene: PLEKHG5 (pleckstrin homology and RhoGEF domain containing G5; minus strand). Cytogenetic location: 1p36.31.
Variant type: single nucleotide variant.
Coding change: c.-5851T>C on transcript NM_020631.4; 5851 bases upstream of the start codon, T replaced by C.
Molecular consequence: 5 prime UTR variant (on NM_001042663.3). On other transcripts: intron variant (1).
Genome position (GRCh38, 1-based): chr1:6,497,400, A>G on the plus strand (T>C on the coding strand, the complement: PLEKHG5 is on the minus strand). VCF-style: chr1-6497400-A-G. GRCh37 (hg19) VCF-style: chr1-6557460-A-G.
Other names: c.-134T>C (NM_001042663.3); c.-164-831T>C (NM_198681.4).
Identifiers: ClinVar variation 679001 (VCV000679001.3), dbSNP rs549207658, ClinGen allele CA17196440.

ClinVar aggregate classification (germline): Likely benign (1 of 4 stars; one submission).

Allele frequency attached by ClinVar (database versions not stated): 1000 Genomes Project 30x 0.00422; 1000 Genomes Project 0.00220; gnomAD 0.00528 and 0.00576; TOPMed 0.00557.
gnomAD v4.1: 1,070 of 1,013,886 alleles (0.11%); highest among the groups gnomAD compares: African/African-American, 1.8%; 20 homozygotes.

Submission:

GeneDx
Classification: Likely benign. Last evaluated: 2018-06-16. Review status: criteria provided, single submitter. Criteria: GeneDx Variant Classification (06012015). Collection method: clinical testing. Allele origin: germline. Affected: yes.
Comment: This variant is considered likely benign or benign based on one or more of the following criteria: it is a conservative change, it occurs at a poorly conserved position in the protein, it is predicted to be benign by multiple in silico algorithms, and/or has population frequency not consistent with disease.